The following is an entry in ClinVar:

NM_021008.4(DEAF1):c.907C>T (p.Arg303Cys)

Gene: DEAF1 (DEAF1 transcription factor; minus strand). Cytogenetic location: 11p15.5.
Variant type: single nucleotide variant.
Coding change: c.907C>T on transcript NM_021008.4 (MANE Select); coding-DNA position 907, C replaced by T.
Protein change: p.Arg303Cys; replaces arginine 303 with cysteine.
Molecular consequence: missense variant. On other transcripts: intron variant (1).
Genome position (GRCh38, 1-based): chr11:681,053, G>A on the plus strand (C>T on the coding strand, the complement: DEAF1 is on the minus strand). VCF-style: chr11-681053-G-A. GRCh37 (hg19) VCF-style: chr11-681053-G-A.
Other names: c.181C>T, p.Arg61Cys (NM_001367390.1, NM_001440885.1, NM_001440886.1 and 1 more transcripts); c.907C>T, p.Arg303Cys (NM_001440883.1, NM_001440884.1); c.731-1237C>T (NM_001293634.2); c.907C>T (NM_021008.2); short protein forms R61C, R303C.
Identifiers: ClinVar variation 1974517 (VCV001974517.6), dbSNP rs2494418118, ClinGen allele CA378928485.

ClinVar aggregate classification (germline): Conflicting classifications of pathogenicity. Review status: criteria provided, conflicting classifications (1 of 4 stars). 2 submissions from 2 submitters: Pathogenic (1); Uncertain significance (1). Last evaluated 2026-03-19.

Allele frequency attached by ClinVar (database versions not stated): gnomAD exomes below 0.00001.
gnomAD v4.1: 1 of 1,614,074 alleles (0.000062%); highest among the groups gnomAD compares: Non-Finnish European, 0.000085%; no homozygotes.

Submissions (2):

GeneDx
Classification: Uncertain significance. Last evaluated: 2026-03-19. Review status: criteria provided, single submitter. Criteria: GeneDx Variant Classification Process June 2021. Collection method: clinical testing. Allele origin: germline.
Comment: Not observed at significant frequency in large population cohorts (gnomAD); In silico analysis supports that this missense variant has a deleterious effect on protein structure/function; In silico analysis supports a deleterious effect on splicing; Has not been previously published as pathogenic or benign to our knowledge

Labcorp Genetics (formerly Invitae), Labcorp
Classification: Pathogenic. Last evaluated: 2026-01-09. Review status: criteria provided, single submitter. Criteria: Invitae Variant Classification Sherloc (09022015). Collection method: clinical testing. Allele origin: germline.
Comment: This sequence change replaces arginine, which is basic and polar, with cysteine, which is neutral and slightly polar, at codon 303 of the DEAF1 protein (p.Arg303Cys). This variant is not present in population databases (gnomAD no frequency). This missense change has been observed in individual(s) with autosomal dominant DEAF1-related conditions (internal data). In at least one individual the variant was observed to be de novo. ClinVar contains an entry for this variant (Variation ID: 1974517). Invitae Evidence Modeling of protein sequence and biophysical properties (such as structural, functional, and spatial information, amino acid conservation, physicochemical variation, residue mobility, and thermodynamic stability) indicates that this missense variant is expected to disrupt DEAF1 protein function with a positive predictive value of 95%. Algorithms developed to predict the effect of sequence changes on RNA splicing suggest that this variant may disrupt the consensus splice site. For these reasons, this variant has been classified as Pathogenic.